The following is an entry in ClinVar:

ClinVar aggregate classification (germline): Uncertain significance. Review status: criteria provided, multiple submitters, no conflicts (2 of 4 stars). 3 submissions from 3 submitters: Uncertain significance (3). Last evaluated 2025-09-12.

Conditions:
Cardiovascular phenotype. Identifiers: MedGen CN230736.
Hereditary cancer-predisposing syndrome. Also called: Hereditary neoplastic syndrome; Neoplastic Syndromes, Hereditary; Tumor predisposition; Hereditary Cancer Syndrome. Identifiers: Orphanet 140162, MedGen C0027672, MeSH D009386, MONDO:0015356.
Neurofibromatosis, type 1 (NF1). Also called: VON RECKLINGHAUSEN DISEASE; Peripheral type neurofibromatosis; NEUROFIBROMATOSIS, TYPE I, SOMATIC; Neurofibromatosis, type I. Identifiers: Orphanet 636, MedGen C0027831, MONDO:0018975, OMIM 162200. Disease mechanism: loss of function.

Allele frequency attached by ClinVar (database versions not stated): TOPMed below 0.00001.

Submissions (3):

Ambry Genetics
Classification: Uncertain significance for Cardiovascular phenotype; Hereditary cancer-predisposing syndrome. Last evaluated: 2025-09-12. Review status: criteria provided, single submitter. Criteria: Ambry Variant Classification Scheme 2023. Collection method: clinical testing. Allele origin: germline.
Comment: The p.D779E variant (also known as c.2337T>G), located in coding exon 20 of the NF1 gene, results from a T to G substitution at nucleotide position 2337. The aspartic acid at codon 779 is replaced by glutamic acid, an amino acid with highly similar properties. This amino acid position is highly conserved in available vertebrate species. In addition, this alteration is predicted to be tolerated by in silico analysis. Since supporting evidence is limited at this time, the clinical significance of this alteration remains unclear.

Labcorp Genetics (formerly Invitae), Labcorp
Classification: Uncertain significance for Neurofibromatosis, type 1. Last evaluated: 2025-07-15. Review status: criteria provided, single submitter. Criteria: Invitae Variant Classification Sherloc (09022015). Collection method: clinical testing. Allele origin: germline.
Comment: This sequence change replaces aspartic acid, which is acidic and polar, with glutamic acid, which is acidic and polar, at codon 779 of the NF1 protein (p.Asp779Glu). This variant is not present in population databases (gnomAD no frequency). This variant has not been reported in the literature in individuals affected with NF1-related conditions. ClinVar contains an entry for this variant (Variation ID: 484093). Invitae Evidence Modeling of protein sequence and biophysical properties (such as structural, functional, and spatial information, amino acid conservation, physicochemical variation, residue mobility, and thermodynamic stability) indicates that this missense variant is not expected to disrupt NF1 protein function with a negative predictive value of 95%. In summary, the available evidence is currently insufficient to determine the role of this variant in disease. Therefore, it has been classified as a Variant of Uncertain Significance.

Genome-Nilou Lab
Classification: Uncertain significance for Neurofibromatosis, type 1. Last evaluated: 2022-03-15. Review status: criteria provided, single submitter. Criteria: ACMG Guidelines, 2015. Collection method: clinical testing. Allele origin: germline. Affected: no.

NM_001042492.3(NF1):c.2337T>G (p.Asp779Glu)

Gene: NF1 (neurofibromin 1; plus strand). Cytogenetic location: 17q11.2.
Variant type: single nucleotide variant.
Coding change: c.2337T>G on transcript NM_001042492.3 (MANE Select); coding-DNA position 2337, T replaced by G.
Protein change: p.Asp779Glu; replaces aspartic acid 779 with glutamic acid.
Molecular consequence: missense variant.
Genome position (GRCh38, 1-based): chr17:31,227,534, T>G. VCF-style: chr17-31227534-T-G. GRCh37 (hg19) VCF-style: chr17-29554552-T-G.
Other names: c.2337T>G, p.Asp779Glu (NM_000267.4); short protein forms D779E.
Identifiers: ClinVar variation 484093 (VCV000484093.14), dbSNP rs1555613989, ClinGen allele CA398983045.